The following is an entry in ClinVar:

NM_001408.3(CELSR2):c.7702G>A (p.Val2568Ile)

Gene: CELSR2 (cadherin EGF LAG seven-pass G-type receptor 2; plus strand). Cytogenetic location: 1p13.3.
Variant type: single nucleotide variant.
Coding change: c.7702G>A on transcript NM_001408.3 (MANE Select); coding-DNA position 7702, G replaced by A.
Protein change: p.Val2568Ile; replaces valine 2568 with isoleucine.
Molecular consequence: missense variant.
Genome position (GRCh38, 1-based): chr1:109,271,411, G>A. VCF-style: chr1-109271411-G-A. GRCh37 (hg19) VCF-style: chr1-109814033-G-A.
Other names: short protein forms V2568I.
Identifiers: ClinVar variation 4740254 (VCV004740254.1).

ClinVar aggregate classification (germline): Uncertain significance (1 of 4 stars; one submission).

gnomAD v4.1: 354 of 1,613,866 alleles (0.022%); highest among the groups gnomAD compares: Admixed American, 0.068%; 1 homozygote.

Submission:

Labcorp Genetics (formerly Invitae), Labcorp
Classification: Uncertain significance. Last evaluated: 2025-06-11. Review status: criteria provided, single submitter. Criteria: Invitae Variant Classification Sherloc (09022015). Collection method: clinical testing. Allele origin: germline.
Comment: This sequence change replaces valine, which is neutral and non-polar, with isoleucine, which is neutral and non-polar, at codon 2568 of the CELSR2 protein (p.Val2568Ile). This variant is present in population databases (rs199558129, gnomAD 0.03%). This variant has not been reported in the literature in individuals affected with CELSR2-related conditions. Invitae Evidence Modeling of protein sequence and biophysical properties (such as structural, functional, and spatial information, amino acid conservation, physicochemical variation, residue mobility, and thermodynamic stability) indicates that this missense variant is not expected to disrupt CELSR2 protein function with a negative predictive value of 80%. In summary, the available evidence is currently insufficient to determine the role of this variant in disease. Therefore, it has been classified as a Variant of Uncertain Significance.